The following is an entry in ClinVar:

NM_032578.4(MYPN):c.1505T>C (p.Ile502Thr)

Gene: MYPN (myopalladin; plus strand). Cytogenetic location: 10q21.3.
Variant type: single nucleotide variant.
Coding change: c.1505T>C on transcript NM_032578.4 (MANE Select); coding-DNA position 1505, T replaced by C.
Protein change: p.Ile502Thr; replaces isoleucine 502 with threonine.
Molecular consequence: missense variant. On other transcripts: non-coding transcript variant (2).
Genome position (GRCh38, 1-based): chr10:68,165,723, T>C. VCF-style: chr10-68165723-T-C. GRCh37 (hg19) VCF-style: chr10-69925480-T-C.
Other names: c.1505T>C, p.Ile502Thr (NM_001256267.2); c.623T>C, p.Ile208Thr (NM_001256268.2); short protein forms I208T, I502T.
Identifiers: ClinVar variation 4860700 (VCV004860700.1).

ClinVar aggregate classification (germline): Uncertain significance (1 of 4 stars; one submission).

Conditions:
Cardiovascular phenotype. Identifiers: MedGen CN230736.

gnomAD v4.1: 1 of 1,614,172 alleles (0.000062%); no homozygotes.

Submission:

Ambry Genetics
Classification: Uncertain significance for Cardiovascular phenotype. Last evaluated: 2026-04-09. Review status: criteria provided, single submitter. Criteria: Ambry Variant Classification Scheme 2023. Collection method: clinical testing. Allele origin: germline.
Comment: The p.I502T variant (also known as c.1505T>C), located in coding exon 8 of the MYPN gene, results from a T to C substitution at nucleotide position 1505. The isoleucine at codon 502 is replaced by threonine, an amino acid with similar properties. This amino acid position is conserved. In addition, this alteration is predicted to be deleterious by in silico analysis. Based on the available evidence, the clinical significance of this variant remains unclear.